The following is an entry in ClinVar:

NM_000161.3(GCH1):c.279G>T (p.Lys93Asn)

Gene: GCH1 (GTP cyclohydrolase 1; minus strand). Cytogenetic location: 14q22.2.
Variant type: single nucleotide variant.
Coding change: c.279G>T on transcript NM_000161.3 (MANE Select); coding-DNA position 279, G replaced by T.
Protein change: p.Lys93Asn; replaces lysine 93 with asparagine.
Molecular consequence: missense variant.
Genome position (GRCh38, 1-based): chr14:54,902,385, C>A on the plus strand (G>T on the coding strand, the complement: GCH1 is on the minus strand). VCF-style: chr14-54902385-C-A. GRCh37 (hg19) VCF-style: chr14-55369103-C-A.
Other names: c.279G>T, p.Lys93Asn (NM_001024024.2, NM_001024070.2, NM_001024071.2); short protein forms K93N.
Identifiers: ClinVar variation 2257143 (VCV002257143.6), dbSNP rs2040580789, ClinGen allele CA389793692.

ClinVar aggregate classification (germline): Uncertain significance. Review status: criteria provided, multiple submitters, no conflicts (2 of 4 stars). 3 submissions from 3 submitters: Uncertain significance (3). Last evaluated 2026-04-04.

Conditions:
GTP cyclohydrolase I deficiency. Identifiers: MedGen C0268467, MONDO:0100184.
Dystonia 5 (DRD). Also called: DYSTONIA, PROGRESSIVE, WITH DIURNAL VARIATION; DYSTONIA-PARKINSONISM WITH DIURNAL FLUCTUATION; GTP Cyclohydrolase 1-Deficient Dopa-Responsive Dystonia; Dystonia, DOPA-responsive, with or without hyperphenylalaninemia; DYT-GCH1. Identifiers: Orphanet 98808, MedGen C1851920, MONDO:0007495, OMIM 128230.
Inborn genetic diseases. Identifiers: MedGen C0950123, MeSH D030342.

Submissions (3):

GeneDx
Classification: Uncertain significance. Last evaluated: 2026-04-04. Review status: criteria provided, single submitter. Criteria: GeneDx Variant Classification Process June 2021. Collection method: clinical testing. Allele origin: germline.
Comment: Not observed at significant frequency in large population cohorts (gnomAD); In silico analysis supports that this missense variant has a deleterious effect on protein structure/function; Has not been previously published as pathogenic or benign to our knowledge

Labcorp Genetics (formerly Invitae), Labcorp
Classification: Uncertain significance for GTP cyclohydrolase I deficiency; Dystonia 5. Last evaluated: 2025-03-10. Review status: criteria provided, single submitter. Criteria: Invitae Variant Classification Sherloc (09022015). Collection method: clinical testing. Allele origin: germline.
Comment: This sequence change replaces lysine, which is basic and polar, with asparagine, which is neutral and polar, at codon 93 of the GCH1 protein (p.Lys93Asn). This variant is not present in population databases (gnomAD no frequency). This variant has not been reported in the literature in individuals affected with GCH1-related conditions. ClinVar contains an entry for this variant (Variation ID: 2257143). Invitae Evidence Modeling of protein sequence and biophysical properties (such as structural, functional, and spatial information, amino acid conservation, physicochemical variation, residue mobility, and thermodynamic stability) indicates that this missense variant is not expected to disrupt GCH1 protein function with a negative predictive value of 80%. In summary, the available evidence is currently insufficient to determine the role of this variant in disease. Therefore, it has been classified as a Variant of Uncertain Significance.

Ambry Genetics
Classification: Uncertain significance for Inborn genetic diseases. Last evaluated: 2021-10-26. Review status: criteria provided, single submitter. Criteria: Ambry Variant Classification Scheme 2023. Collection method: clinical testing. Allele origin: germline.